The following is an entry in ClinVar:

NM_004924.6(ACTN4):c.1875+3G>A

Gene: ACTN4 (actinin alpha 4; plus strand). Cytogenetic location: 19q13.2.
Variant type: single nucleotide variant.
Coding change: c.1875+3G>A on transcript NM_004924.6 (MANE Select); 3 bases into the intron after coding-DNA position 1875, G replaced by A.
Molecular consequence: intron variant.
Genome position (GRCh38, 1-based): chr19:38,724,342, G>A. VCF-style: chr19-38724342-G-A. GRCh37 (hg19) VCF-style: chr19-39214982-G-A.
Other names: c.1875+3G>A (NM_001411143.1, NM_001322033.2, NM_001440296.1 and 2 more transcripts); c.1623+3G>A (NM_001440299.1).
Identifiers: ClinVar variation 4694973 (VCV004694973.1).

ClinVar aggregate classification (germline): Uncertain significance (1 of 4 stars; one submission).

gnomAD v4.1: 2 of 1,613,292 alleles (0.00012%); highest among the groups gnomAD compares: Admixed American, 0.0033%; no homozygotes.

Submission:

Labcorp Genetics (formerly Invitae), Labcorp
Classification: Uncertain significance. Last evaluated: 2025-12-22. Review status: criteria provided, single submitter. Criteria: Invitae Variant Classification Sherloc (09022015). Collection method: clinical testing. Allele origin: germline.
Comment: This sequence change falls in intron 15 of the ACTN4 gene. It does not directly change the encoded amino acid sequence of the ACTN4 protein. It affects a nucleotide within the consensus splice site. This variant is present in population databases (no rsID available, gnomAD 0.003%). This variant has not been reported in the literature in individuals affected with ACTN4-related conditions. Variants that disrupt the consensus splice site are a relatively common cause of aberrant splicing (PMID: 17576681, 9536098). Algorithms developed to predict the effect of sequence changes on RNA splicing suggest that this variant is not likely to affect RNA splicing. In summary, the available evidence is currently insufficient to determine the role of this variant in disease. Therefore, it has been classified as a Variant of Uncertain Significance.

Literature cited by the submitters: PubMed 17576681; PubMed 9536098.